The following is an entry in ClinVar:

ClinVar aggregate classification (germline): Uncertain significance. Review status: criteria provided, multiple submitters, no conflicts (2 of 4 stars). 2 submissions from 2 submitters: Uncertain significance (2). Last evaluated 2025-08-01.

Conditions:
Inborn genetic diseases. Identifiers: MedGen C0950123, MeSH D030342.

gnomAD v4.1: 6 of 1,613,984 alleles (0.00037%); highest among the groups gnomAD compares: Non-Finnish European, 0.00051%; no homozygotes.

Submissions (2):

Ambry Genetics
Classification: Uncertain significance for Inborn genetic diseases. Last evaluated: 2025-08-01. Review status: criteria provided, single submitter. Criteria: Ambry Variant Classification Scheme 2023. Collection method: clinical testing. Allele origin: germline.

GeneDx
Classification: Uncertain significance. Last evaluated: 2024-07-17. Review status: criteria provided, single submitter. Criteria: GeneDx Variant Classification Process June 2021. Collection method: clinical testing. Allele origin: germline. Affected: yes.
Comment: Not observed at significant frequency in large population cohorts (gnomAD); In silico analysis indicates that this missense variant does not alter protein structure/function; Has not been previously published as pathogenic or benign to our knowledge

NM_004055.5(CAPN5):c.6C>G (p.Phe2Leu)

Gene: CAPN5 (calpain 5; plus strand). Cytogenetic location: 11q13.5.
Variant type: single nucleotide variant.
Coding change: c.6C>G on transcript NM_004055.5 (MANE Select); coding-DNA position 6, C replaced by G.
Protein change: p.Phe2Leu; replaces phenylalanine 2 with leucine.
Molecular consequence: missense variant. On other transcripts: non-coding transcript variant (1).
Genome position (GRCh38, 1-based): chr11:77,084,892, C>G. VCF-style: chr11-77084892-C-G. GRCh37 (hg19) VCF-style: chr11-76795938-C-G.
Other names: c.6C>G, p.Phe2Leu (NM_001425321.1, NM_001425322.1, NM_001425323.1); short protein forms F2L.
Identifiers: ClinVar variation 3573666 (VCV003573666.2).